The following is an entry in ClinVar:

ClinVar aggregate classification (germline): Uncertain significance (1 of 4 stars; one submission).

Conditions:
Sulfite oxidase deficiency due to molybdenum cofactor deficiency type C. Also called: Molybdenum cofactor deficiency, complementation group C; Molybdenum cofactor deficiency C. Identifiers: Orphanet 308400, Orphanet 833, MedGen C1854990, MONDO:0014212, OMIM 615501.

gnomAD v4.1: 7 of 1,612,074 alleles (0.00043%); highest among the groups gnomAD compares: Non-Finnish European, 0.00051%; no homozygotes.

Submission:

Labcorp Genetics (formerly Invitae), Labcorp
Classification: Uncertain significance for Sulfite oxidase deficiency due to molybdenum cofactor deficiency type C. Last evaluated: 2020-12-19. Review status: criteria provided, single submitter. Criteria: Invitae Variant Classification Sherloc (09022015). Collection method: clinical testing. Allele origin: germline.
Comment: This sequence change replaces alanine with proline at codon 239 of the GPHN protein (p.Ala239Pro). The alanine residue is moderately conserved and there is a small physicochemical difference between alanine and proline. This variant is not present in population databases (ExAC no frequency). This variant has not been reported in the literature in individuals with GPHN-related conditions. Algorithms developed to predict the effect of missense changes on protein structure and function are either unavailable or do not agree on the potential impact of this missense change (SIFT: "Tolerated"; PolyPhen-2: "Benign"; Align-GVGD: "Class C0"). In summary, the available evidence is currently insufficient to determine the role of this variant in disease. Therefore, it has been classified as a Variant of Uncertain Significance.

NM_020806.5(GPHN):c.715G>C (p.Ala239Pro)

Gene: GPHN (gephyrin; plus strand). Cytogenetic location: 14q23.3.
Variant type: single nucleotide variant.
Coding change: c.715G>C on transcript NM_020806.5 (MANE Select); coding-DNA position 715, G replaced by C.
Protein change: p.Ala239Pro; replaces alanine 239 with proline.
Molecular consequence: missense variant.
Genome position (GRCh38, 1-based): chr14:66,922,924, G>C. VCF-style: chr14-66922924-G-C. GRCh37 (hg19) VCF-style: chr14-67389641-G-C.
Other names: c.715G>C, p.Ala239Pro (NM_001024218.2, NM_001377515.1, NM_001377516.1 and 2 more transcripts); c.754G>C, p.Ala252Pro (NM_001377514.1, NM_001377519.1); short protein forms A239P, A252P.
Identifiers: ClinVar variation 948313 (VCV000948313.9), dbSNP rs751089463, ClinGen allele CA390256553.